The following is an entry in ClinVar:

NM_001110556.2(FLNA):c.5859_5860+2del

Gene: FLNA (filamin A; minus strand). Cytogenetic location: Xq28.
Variant type: Deletion.
Coding change: c.5859_5860+2del on transcript NM_001110556.2 (MANE Select); coding-DNA position 5859 through the canonical splice donor site of the intron after coding-DNA position 5860, 4 bases deleted (AGGT; older notation c.5859_5860+2delAGGT).
Molecular consequence: splice donor variant.
Genome position (GRCh38, 1-based): chrX:154,353,552-154,353,555, ACCT deleted on the plus strand (AGGT on the coding strand, the reverse complement: FLNA is on the minus strand). VCF-style (leftmost placement, unchanged base first): chrX-154353551-CACCT-C. GRCh37 (hg19) VCF-style: chrX-153581919-CACCT-C.
Other names: c.5835_5836+2del (NM_001456.4).
Identifiers: ClinVar variation 2500306 (VCV002500306.1), dbSNP rs2522724553, ClinGen allele CA2580101936.
Genomic context (GRCh38, chrX:154,353,551, plus strand): 5'-CAGCCATGGGAGACCATGCCCACCCTGCCACCCGTTTCTGTCACTGCTCCCAGTGCCACC[CACCT>C]GTGACCCGAGCAGTGAAGGGGCTGCCTGGGACGTGCTGTTCATTGTACTTGACTAGAATG-3'

ClinVar aggregate classification (germline): Uncertain significance (1 of 4 stars; one submission).

Conditions:
Heterotopia, periventricular, X-linked dominant (PVNH1). Also called: PERIVENTRICULAR NODULAR HETEROTOPIA 4; HETEROTOPIA, PERIVENTRICULAR, 1; PERIVENTRICULAR NODULAR HETEROTOPIA 1; X-linked periventricular heterotopia. Identifiers: Orphanet 2149, Orphanet 82004, MedGen C1848213, MONDO:0010233, OMIM 300049.

Allele frequency attached by ClinVar (database versions not stated): gnomAD exomes below 0.00001.

Submission:

Institute of Human Genetics, University of Leipzig Medical Center
Classification: Uncertain significance for Heterotopia, periventricular, X-linked dominant. Last evaluated: 2023-03-21. Review status: criteria provided, single submitter. Criteria: ACMG Guidelines, 2015. Collection method: clinical testing. Allele origin: maternal. Affected: yes.
Comment: This variant was identified as hemizygous._x000D_ Criteria applied: PM2_SUP, BS2